The following is an entry in ClinVar:

NM_000117.3(EMD):c.110_111delinsTC (p.Lys37Ile)

Gene: EMD (emerin; plus strand). Cytogenetic location: Xq28.
Variant type: Indel.
Coding change: c.110_111delinsTC on transcript NM_000117.3 (MANE Select); coding-DNA positions 110 to 111, AG replaced by TC.
Protein change: p.Lys37Ile; replaces lysine 37 with isoleucine.
Molecular consequence: missense variant.
Genome position (GRCh38, 1-based): chrX:154,379,717-154,379,718, AG replaced by TC. VCF-style: chrX-154379717-AG-TC. GRCh37 (hg19) VCF-style: chrX-153608077-AG-TC.
Other names: short protein forms K37I.
Identifiers: ClinVar variation 3603705 (VCV003603705.2).

ClinVar aggregate classification (germline): Uncertain significance. Review status: criteria provided, multiple submitters, no conflicts (2 of 4 stars). 2 submissions from 2 submitters: Uncertain significance (2). Last evaluated 2025-06-06.

Conditions:
X-linked Emery-Dreifuss muscular dystrophy. Also called: Muscular dystrophy, tardive Emery-Dreifuss type, with contractures. Identifiers: Orphanet 261, Orphanet 98863, MedGen C0751337, MONDO:0010680.
Cardiovascular phenotype. Identifiers: MedGen CN230736.

Submissions (2):

Ambry Genetics
Classification: Uncertain significance for Cardiovascular phenotype. Last evaluated: 2025-06-06. Review status: criteria provided, single submitter. Criteria: Ambry Variant Classification Scheme 2023. Collection method: clinical testing. Allele origin: germline.
Comment: The c.110_111delAGinsTC variant (also known as p.K37I), located in coding exon 2 of the EMD gene, results from an in-frame deletion of AG and insertion of TC at nucleotide positions 110 to 111. This results in the substitution of the lysine residue for an isoleucine residue at codon 37, an amino acid with dissimilar properties. This amino acid position is highly conserved in available vertebrate species. In addition, this variant is predicted to be deleterious by in silico analysis (Choi Y et al. PLoS ONE. 2012; 7(10):e46688). Based on the available evidence, the clinical significance of this variant remains unclear.

Labcorp Genetics (formerly Invitae), Labcorp
Classification: Uncertain significance for X-linked Emery-Dreifuss muscular dystrophy. Last evaluated: 2024-05-08. Review status: criteria provided, single submitter. Criteria: Invitae Variant Classification Sherloc (09022015). Collection method: clinical testing. Allele origin: germline.
Comment: This sequence change replaces lysine, which is basic and polar, with isoleucine, which is neutral and non-polar, at codon 37 of the EMD protein (p.Lys37Ile). Information on the frequency of this variant in the gnomAD database is not available, as this variant may be reported differently in the database. This variant has not been reported in the literature in individuals affected with EMD-related conditions. An algorithm developed to predict the effect of missense changes on protein structure and function (PolyPhen-2) suggests that this variant is likely to be disruptive. In summary, the available evidence is currently insufficient to determine the role of this variant in disease. Therefore, it has been classified as a Variant of Uncertain Significance.